The following is an entry in ClinVar:

ClinVar aggregate classification (germline): Likely benign. Review status: criteria provided, multiple submitters, no conflicts (2 of 4 stars). 2 submissions from 2 submitters: Likely benign (2). Last evaluated 2024-10-01.

Conditions:
Thrombocytopenia 1. Also called: X-linked thrombocytopenia with normal platelets; THROMBOCYTOPENIA, X-LINKED, 1; X-Linked Thrombocytopenia (XLT). Identifiers: Orphanet 268322, Orphanet 852, MedGen C1839163, MONDO:0010743, OMIM 313900.
Wiskott-Aldrich syndrome (WAS). Also called: ALDRICH SYNDROME; IMMUNODEFICIENCY 2; WISKOTT-ALDRICH SYNDROME 1; Wiskott-aldrich syndrome, somatic. Identifiers: Orphanet 906, MedGen C0043194, MONDO:0010518, OMIM 301000.
X-linked severe congenital neutropenia (SCNX). Identifiers: Orphanet 86788, MedGen C1845987, MONDO:0010294, OMIM 300299.

Submissions (2):

CeGaT Center for Human Genetics Tuebingen
Classification: Likely benign. Last evaluated: 2024-10-01. Review status: criteria provided, single submitter. Criteria: CeGaT Center For Human Genetics Tuebingen Variant Classification Criteria Version 2. Collection method: clinical testing. Allele origin: germline. Affected: yes. Observed: 2 variant alleles.
Comment: WAS: BP4, BP7

Labcorp Genetics (formerly Invitae), Labcorp
Classification: Likely benign for Wiskott-Aldrich syndrome; X-linked severe congenital neutropenia; Thrombocytopenia 1. Last evaluated: 2023-10-29. Review status: criteria provided, single submitter. Criteria: Invitae Variant Classification Sherloc (09022015). Collection method: clinical testing. Allele origin: germline.

NM_000377.3(WAS):c.1086A>C (p.Pro362=)

Gene: WAS (WASP actin nucleation promoting factor; plus strand). Cytogenetic location: Xp11.23.
Variant type: single nucleotide variant.
Coding change: c.1086A>C on transcript NM_000377.3 (MANE Select); coding-DNA position 1086, A replaced by C.
Protein change: p.Pro362=; no amino-acid change (proline 362 retained).
Molecular consequence: synonymous variant.
Genome position (GRCh38, 1-based): chrX:48,688,814, A>C. VCF-style: chrX-48688814-A-C. GRCh37 (hg19) VCF-style: chrX-48547203-A-C.
Identifiers: ClinVar variation 2936507 (VCV002936507.17), dbSNP rs1304836055, ClinGen allele CA516356397.